The following is an entry in ClinVar:

ClinVar aggregate classification (germline): Pathogenic (1 of 4 stars; one submission).

Submission:

Labcorp Genetics (formerly Invitae), Labcorp
Classification: Pathogenic. Last evaluated: 2022-11-29. Review status: criteria provided, single submitter. Criteria: Invitae Variant Classification Sherloc (09022015). Collection method: clinical testing. Allele origin: germline.
Comment: This sequence change replaces lysine, which is basic and polar, with asparagine, which is neutral and polar, at codon 164 of the MYO7A protein (p.Lys164Asn). This variant is not present in population databases (gnomAD no frequency). This missense change has been observed in individual(s) with Usher syndrome (PMID: 21873662; Invitae). ClinVar contains an entry for this variant (Variation ID: 1024657). Advanced modeling of protein sequence and biophysical properties (such as structural, functional, and spatial information, amino acid conservation, physicochemical variation, residue mobility, and thermodynamic stability) performed at Invitae indicates that this missense variant is expected to disrupt MYO7A protein function. This variant disrupts the p.Lys164 amino acid residue in MYO7A. Other variant(s) that disrupt this residue have been observed in individuals with MYO7A-related conditions (PMID: 16679490), which suggests that this may be a clinically significant amino acid residue. For these reasons, this variant has been classified as Pathogenic.

Literature cited by the submitters: PubMed 21873662; PubMed 16679490.

NM_000260.4(MYO7A):c.492G>C (p.Lys164Asn)

Gene: MYO7A (myosin VIIA; plus strand). Cytogenetic location: 11q13.5.
Variant type: single nucleotide variant.
Coding change: c.492G>C on transcript NM_000260.4 (MANE Select); coding-DNA position 492, G replaced by C.
Protein change: p.Lys164Asn; replaces lysine 164 with asparagine.
Molecular consequence: missense variant.
Genome position (GRCh38, 1-based): chr11:77,156,681, G>C. VCF-style: chr11-77156681-G-C. GRCh37 (hg19) VCF-style: chr11-76867727-G-C.
Other names: c.492G>C, p.Lys164Asn (NM_001127180.2); c.459G>C, p.Lys153Asn (NM_001369365.1); short protein forms K153N, K164N.
Identifiers: ClinVar variation 1024657 (VCV001024657.10), dbSNP rs1952491231, ClinGen allele CA381931780.